The following is an entry in ClinVar:

ClinVar aggregate classification (germline): Pathogenic (1 of 4 stars; one submission).

Conditions:
Intellectual disability-microcephaly-strabismus-behavioral abnormalities syndrome. Also called: White-Sutton Syndrome. Identifiers: Orphanet 468678, MedGen C4225351, MONDO:0014606, OMIM 616364.

Submission:

Rady Children's Institute for Genomic Medicine, Rady Children's Hospital San Diego
Classification: Pathogenic for WHITE-SUTTON SYNDROME. Last evaluated: 2023-10-30. Review status: criteria provided, single submitter. Criteria: ACMG Guidelines, 2015. Collection method: clinical testing. Allele origin: germline. Affected: yes.
Comment: This frameshifting variant in exon 17 of 19 is predicted to result in loss of normal protein function through either protein truncation or nonsense-mediated mRNA decay. This frameshift variant is found in exon 17 of 19, but generates a termination codon located within exon 18. Therefore, the resulting mRNA is predicted to escape nonsense-mediated decay. Frameshift variants located downstream of this variant have been reported as disease-causing variants in the literature (PMID: 31782611). This variant has not been previously reported or functionally characterized in the literature to our knowledge. The c.2505del (p.Phe836SerfsTer18) variant is absent from the gnomAD population database and thus is presumed to be rare. Analysis of the parental samples was negative for the variant, indicating this variant likely occurred as a de novo event. Based on the available evidence, c.2505del (p.Phe836SerfsTer18) is classified as Likely Pathogenic.

Literature cited by the submitters: PubMed 31782611.

NM_015100.4(POGZ):c.2505del (p.Phe836fs)

Gene: POGZ (pogo transposable element derived with ZNF domain; minus strand). Cytogenetic location: 1q21.3.
Variant type: Deletion.
Coding change: c.2505del on transcript NM_015100.4 (MANE Select); coding-DNA position 2505, one base deleted (A; older notation c.2505delA).
Protein change: p.Phe836fs; shifts the reading frame from phenylalanine 836.
Molecular consequence: frameshift variant.
Genome position (GRCh38, 1-based): chr1:151,406,951, T deleted on the plus strand (A on the coding strand, the reverse complement: POGZ is on the minus strand). VCF-style (leftmost placement, unchanged base first): chr1-151406950-AT-A. GRCh37 (hg19) VCF-style: chr1-151379426-AT-A.
Other names: c.2478del, p.Phe827fs (NM_001194937.2); c.2319del, p.Phe774fs (NM_001194938.2); c.2526del, p.Phe843fs (NM_001410860.1); c.2220del, p.Phe741fs (NM_145796.4); c.2346del, p.Phe783fs (NM_207171.2); short protein forms F741fs, F774fs, F783fs, F827fs, F836fs, F843fs.
Identifiers: ClinVar variation 3773856 (VCV003773856.1).